The following is an entry in ClinVar:

ClinVar aggregate classification (germline): Pathogenic. Review status: criteria provided, multiple submitters, no conflicts (2 of 4 stars). 2 submissions from 2 submitters: Pathogenic (2). Last evaluated 2024-02-09.

Conditions:
Familial thoracic aortic aneurysm and aortic dissection (TAAD). Also called: Thoracic aortic aneurysms and dissections. Identifiers: Orphanet 91387, MedGen C4707243, MONDO:0019625.
Marfan syndrome (MFS). Also called: FBN1-Related Marfan Syndrome; Marfan's syndrome; MARFAN SYNDROME, TYPE I; Marfan syndrome type 1; Marfan syndrome, classic. Identifiers: Orphanet 284963, Orphanet 558, MedGen C0024796, MONDO:0007947, OMIM 154700.

Submissions (2):

Labcorp Genetics (formerly Invitae), Labcorp
Classification: Pathogenic for Marfan syndrome; Familial thoracic aortic aneurysm and aortic dissection. Last evaluated: 2024-02-09. Review status: criteria provided, single submitter. Criteria: Invitae Variant Classification Sherloc (09022015). Collection method: clinical testing. Allele origin: germline.
Comment: This sequence change affects a donor splice site in intron 41 of the FBN1 gene. It is expected to disrupt RNA splicing. Variants that disrupt the donor or acceptor splice site typically lead to a loss of protein function (PMID: 16199547), and loss-of-function variants in FBN1 are known to be pathogenic (PMID: 17657824, 19293843). This variant is not present in population databases (gnomAD no frequency). Disruption of this splice site has been observed in individuals with FBN1-related conditions (PMID: 17627385, 19159394, 25652356; Invitae). ClinVar contains an entry for this variant (Variation ID: 848649). Algorithms developed to predict the effect of sequence changes on RNA splicing suggest that this variant may disrupt the consensus splice site. For these reasons, this variant has been classified as Pathogenic.

Clinical Genetics Laboratory, Skane University Hospital Lund
Classification: Pathogenic. Last evaluated: 2023-06-18. Review status: criteria provided, single submitter. Criteria: ACMG Guidelines, 2015. Collection method: clinical testing. Allele origin: germline. Affected: yes.

Literature cited by the submitters: PubMed 16199547 (cited by Labcorp Genetics (formerly Invitae), Labcorp); PubMed 17657824 (cited by Labcorp Genetics (formerly Invitae), Labcorp); PubMed 19293843 (cited by Labcorp Genetics (formerly Invitae), Labcorp); PubMed 17627385 (cited by Labcorp Genetics (formerly Invitae), Labcorp); PubMed 19159394 (cited by Labcorp Genetics (formerly Invitae), Labcorp); PubMed 25652356 (cited by Labcorp Genetics (formerly Invitae), Labcorp).

NM_000138.5(FBN1):c.5065+1G>A

Gene: FBN1 (fibrillin 1; minus strand). Cytogenetic location: 15q21.1.
Variant type: single nucleotide variant.
Coding change: c.5065+1G>A on transcript NM_000138.5 (MANE Select); the canonical splice donor site of the intron after coding-DNA position 5065, G replaced by A.
Molecular consequence: splice donor variant.
Genome position (GRCh38, 1-based): chr15:48,463,898, C>T on the plus strand (G>A on the coding strand, the complement: FBN1 is on the minus strand). VCF-style: chr15-48463898-C-T. GRCh37 (hg19) VCF-style: chr15-48756095-C-T.
Other names: c.5065+1G>A (NM_001406716.1).
Identifiers: ClinVar variation 848649 (VCV000848649.9), dbSNP rs1296209846, ClinGen allele CA392349480.
Genomic context (GRCh38, chr15:48,463,898, plus strand): 5'-GCTCTCTTCCTCTTTGTAGATGAGAACCAAACATGCATTACTGAGAAAAGCTTGGACTTA[C>T]CCATGCAATTATTTCCCCCATTCACTTGCATGTAGTCTGGAGGACAGATACAGGTGTAGT-3'